The following is an entry in ClinVar:

NM_000551.4(VHL):c.340+575G>T

Genes: VHL (von Hippel-Lindau tumor suppressor; plus strand), LOC107303340 (3p25 von Hippel-Lindau tumor suppressor, E3 ubiquitin protein ligase Alu-mediated recombination region; plus strand). Cytogenetic location: 3p25.3.
Variant type: single nucleotide variant.
Coding change: c.340+575G>T on transcript NM_000551.4 (MANE Select); 575 bases into the intron after coding-DNA position 340, G replaced by T.
Molecular consequence: intron variant. On other transcripts: splice acceptor variant (1).
Genome position (GRCh38, 1-based): chr3:10,142,762, G>T. VCF-style: chr3-10142762-G-T. GRCh37 (hg19) VCF-style: chr3-10184446-G-T.
Other names: c.340+575G>T (NM_198156.3); c.341-1G>T (NM_001354723.2).
Identifiers: ClinVar variation 1377089 (VCV001377089.8), dbSNP rs2125125827, ClinGen allele CA2573136091.

ClinVar aggregate classification (germline): Uncertain significance (1 of 4 stars; one submission).

Conditions:
Chuvash polycythemia. Also called: POLYCYTHEMIA, VHL-DEPENDENT. Identifiers: Orphanet 238557, MedGen C1837915, MONDO:0009892, OMIM 263400.
Von Hippel-Lindau syndrome (VHLS). Also called: Von Hippel-Lindau; von Hippel–Lindau syndrome; VHL syndrome. Identifiers: Orphanet 892, MedGen C0019562, MONDO:0008667, OMIM 193300. Disease mechanism: loss of function.

Submission:

Labcorp Genetics (formerly Invitae), Labcorp
Classification: Uncertain significance for Von Hippel-Lindau syndrome; Chuvash polycythemia. Last evaluated: 2021-03-08. Review status: criteria provided, single submitter. Criteria: Invitae Variant Classification Sherloc (09022015). Collection method: clinical testing. Allele origin: germline.
Comment: This sequence change falls in intron 1 of the VHL gene. It is not expected to change the encoded amino acid sequence of the VHL protein. However, this sequence change falls within a cryptic exon in the VHL gene, known as exon E1’, which is naturally expressed at low levels in several human tissues (PMID: 29891534). The frequency data for this variant in the population databases is considered unreliable, as metrics indicate insufficient coverage at this position in the ExAC database. This variant has not been reported in the literature in individuals with VHL-related conditions. Experimental studies and prediction algorithms are not available or were not evaluated, and the functional significance of this variant is currently unknown. In summary, the available evidence is currently insufficient to determine the role of this variant in disease. Therefore, it has been classified as a Variant of Uncertain Significance.

Literature cited by the submitters: PubMed 29891534.